The following is an entry in ClinVar:

ClinVar aggregate classification (germline): Conflicting classifications of pathogenicity. Review status: criteria provided, conflicting classifications (1 of 4 stars). 3 submissions from 3 submitters: Uncertain significance (2); Likely benign (1). Last evaluated 2025-04-09.

Conditions:
Autosomal recessive limb-girdle muscular dystrophy type 2J (LGMDR10). Also called: MUSCULAR DYSTROPHY, LIMB-GIRDLE, AUTOSOMAL RECESSIVE 10; Limb-girdle muscular dystrophy, type 2J. Identifiers: Orphanet 140922, MedGen C1837342, MONDO:0012127, OMIM 608807.
Tibial muscular dystrophy (TMD). Also called: Tibial muscular dystrophy, tardive; Udd Distal Myopathy – Tibial Muscular Dystrophy; UDD MYOPATHY. Identifiers: Orphanet 609, MedGen C1838244, MONDO:0010870, OMIM 600334.
Myopathy, myofibrillar, 9, with early respiratory failure (MFM9). Also called: Myopathy, distal, with early respiratory failure, autosomal dominant; EDSTROM MYOPATHY; MYOPATHY, PROXIMAL, WITH EARLY RESPIRATORY MUSCLE INVOLVEMENT; Hereditary myopathy with early respiratory failure. Identifiers: Orphanet 178464, Orphanet 34521, MedGen C1863599, MONDO:0011362, OMIM 603689.
Dilated cardiomyopathy 1G (CMD1G). Identifiers: Orphanet 154, MedGen C1858763, MONDO:0011400, OMIM 604145.
Early-onset myopathy with fatal cardiomyopathy (CMYO5). Also called: CONGENITAL MYOPATHY 5 WITH CARDIOMYOPATHY; Salih Myopathy. Identifiers: Orphanet 289377, MedGen C2673677, MONDO:0012714, OMIM 611705. Disease mechanism: loss of function.
Hypertrophic cardiomyopathy 9. Also called: Familial hypertrophic cardiomyopathy 9. Identifiers: MedGen C1861065, MONDO:0013412, OMIM 613765.

Allele frequency attached by ClinVar (database versions not stated): gnomAD 0.00001; gnomAD exomes 0.00001 and 0.00004; TOPMed 0.00002.
gnomAD v4.1: 57 of 1,613,706 alleles (0.0035%); highest among the groups gnomAD compares: Non-Finnish European, 0.0044%; no homozygotes.

Submissions (3):

Molecular Diagnostic Laboratory for Inherited Cardiovascular Disease, Montreal Heart Institute
Classification: Likely benign. Last evaluated: 2025-04-09. Review status: criteria provided, single submitter. Criteria: ACMG Guidelines, 2015. Collection method: clinical testing. Allele origin: germline. Affected: no.

Fulgent Genetics
Classification: Uncertain significance for Tibial muscular dystrophy; Myopathy, myofibrillar, 9, with early respiratory failure; Dilated cardiomyopathy 1G; Autosomal recessive limb-girdle muscular dystrophy type 2J; Early-onset myopathy with fatal cardiomyopathy; Hypertrophic cardiomyopathy 9. Last evaluated: 2021-09-20. Review status: criteria provided, single submitter. Criteria: ACMG Guidelines, 2015. Collection method: clinical testing. Allele origin: unknown.

Laboratory for Molecular Medicine, Mass General Brigham Personalized Medicine
Classification: Uncertain significance. Last evaluated: 2014-08-21. Review status: criteria provided, single submitter. Criteria: LMM Criteria. Collection method: clinical testing. Allele origin: germline. Observed: 1 variant allele.
Comment: The Pro6Leu variant in TTN gene has not been previously reported in individuals with cardiomyopathy or in large population studies. This variant is listed in db SNP (rs201490999) without frequency information. Computational prediction tools and conservation analysis suggest that this variant may impact the protein, thou gh this information is not predictive enough to determine pathogenicity. In summ ary, the clinical significance of the Pro6Leu variant is uncertain.

NM_001267550.2(TTN):c.17C>T (p.Pro6Leu)

Gene: TTN (titin; minus strand). Cytogenetic location: 2q31.2.
Variant type: single nucleotide variant.
Coding change: c.17C>T on transcript NM_001267550.2 (MANE Select); coding-DNA position 17, C replaced by T.
Protein change: p.Pro6Leu; replaces proline 6 with leucine.
Molecular consequence: missense variant.
Genome position (GRCh38, 1-based): chr2:178,804,626, G>A on the plus strand (C>T on the coding strand, the complement: TTN is on the minus strand). VCF-style: chr2-178804626-G-A. GRCh37 (hg19) VCF-style: chr2-179669353-G-A.
Other names: c.17C>T, p.Pro6Leu (NM_133378.4, NM_001256850.1, NM_003319.4 and 3 more transcripts); short protein forms P6L.
Identifiers: ClinVar variation 166361 (VCV000166361.8), dbSNP rs201490999, ClinGen allele CA179456.